The following is an entry in ClinVar:

ClinVar aggregate classification (germline): Conflicting classifications of pathogenicity. Review status: criteria provided, conflicting classifications (1 of 4 stars). 3 submissions from 3 submitters: Uncertain significance (1); Likely benign (1). 1 of the submissions does not count toward it. Last evaluated 2025-12-03.

Conditions:
LTBP2-related disorder. Also called: LTBP2-related condition; LTBP2-related disorders.
Inborn genetic diseases. Identifiers: MedGen C0950123, MeSH D030342.

Allele frequency attached by ClinVar (database versions not stated): 1000 Genomes Project 0.00060; 1000 Genomes Project 30x 0.00078; ESP Exome Variant Server 0.00100.
gnomAD v4.1: 219 of 1,614,180 alleles (0.014%); highest among the groups gnomAD compares: African/African-American, 0.23%; no homozygotes.

Submissions (3):

Labcorp Genetics (formerly Invitae), Labcorp
Classification: Likely benign. Last evaluated: 2025-12-03. Review status: criteria provided, single submitter. Criteria: Invitae Variant Classification Sherloc (09022015). Collection method: clinical testing. Allele origin: germline.

Ambry Genetics
Classification: Uncertain significance for Inborn genetic diseases. Last evaluated: 2021-07-16. Review status: criteria provided, single submitter. Criteria: Ambry Variant Classification Scheme 2023. Collection method: clinical testing. Allele origin: germline.

PreventionGenetics, part of Exact Sciences
Classification: Likely benign for LTBP2-related condition. Last evaluated: 2022-10-12. Review status: no assertion criteria provided. Collection method: clinical testing. Allele origin: germline. Not counted in ClinVar's aggregate classification.
Comment: This variant is classified as likely benign based on ACMG/AMP sequence variant interpretation guidelines (Richards et al. 2015 PMID: 25741868, with internal and published modifications).

NM_000428.3(LTBP2):c.4138G>C (p.Asp1380His)

Gene: LTBP2 (latent transforming growth factor beta binding protein 2; minus strand). Cytogenetic location: 14q24.3.
Variant type: single nucleotide variant.
Coding change: c.4138G>C on transcript NM_000428.3 (MANE Select); coding-DNA position 4138, G replaced by C.
Protein change: p.Asp1380His; replaces aspartic acid 1380 with histidine.
Molecular consequence: missense variant.
Genome position (GRCh38, 1-based): chr14:74,506,087, C>G on the plus strand (G>C on the coding strand, the complement: LTBP2 is on the minus strand). VCF-style: chr14-74506087-C-G. GRCh37 (hg19) VCF-style: chr14-74972790-C-G.
Other names: c.4138G>C (NM_000428.2); short protein forms D1380H.
Identifiers: ClinVar variation 1585184 (VCV001585184.11), dbSNP rs145811412, ClinGen allele CA7268865.
Genomic context (GRCh38, chr14:74,506,087, plus strand): 5'-AATGTGTCTCCCAGGCCTCACCTCCAGCCCCCCGTGGGCGGCAGTGCCCCTCCTGGGCAT[C>G]GTACTCCTCCAGGTCACTGGCACAGAGGCACAGGAAGGAGCCCTCCACGTTCTCACAGAG-3'
Protein context (NP_000419.1, residues 1370-1390): CLCASDLEEY[Asp1380His]AQEGHCRPRG